The following is an entry in ClinVar:

NM_006766.5(KAT6A):c.3352+4T>G

Gene: KAT6A (lysine acetyltransferase 6A; minus strand). Cytogenetic location: 8p11.21.
Variant type: single nucleotide variant.
Coding change: c.3352+4T>G on transcript NM_006766.5 (MANE Select); 4 bases into the intron after coding-DNA position 3352, T replaced by G.
Molecular consequence: intron variant.
Genome position (GRCh38, 1-based): chr8:41,937,252, A>C on the plus strand (T>G on the coding strand, the complement: KAT6A is on the minus strand). VCF-style: chr8-41937252-A-C. GRCh37 (hg19) VCF-style: chr8-41794770-A-C.
Identifiers: ClinVar variation 3689965 (VCV003689965.2).

ClinVar aggregate classification (germline): Uncertain significance (1 of 4 stars; one submission).

gnomAD v4.1: 3 of 1,609,608 alleles (0.00019%); highest among the groups gnomAD compares: South Asian, 0.0033%; no homozygotes.

Submission:

Labcorp Genetics (formerly Invitae), Labcorp
Classification: Uncertain significance. Last evaluated: 2024-06-11. Review status: criteria provided, single submitter. Criteria: Invitae Variant Classification Sherloc (09022015). Collection method: clinical testing. Allele origin: germline.
Comment: This sequence change falls in intron 16 of the KAT6A gene. It does not directly change the encoded amino acid sequence of the KAT6A protein. It affects a nucleotide within the consensus splice site. This variant is present in population databases (rs577359606, gnomAD 0.007%). This variant has not been reported in the literature in individuals affected with KAT6A-related conditions. Variants that disrupt the consensus splice site are a relatively common cause of aberrant splicing (PMID: 17576681, 9536098). Algorithms developed to predict the effect of sequence changes on RNA splicing suggest that this variant is not likely to affect RNA splicing. In summary, the available evidence is currently insufficient to determine the role of this variant in disease. Therefore, it has been classified as a Variant of Uncertain Significance.

Literature cited by the submitters: PubMed 17576681; PubMed 9536098.